The following is an entry in ClinVar:

NM_001148.6(ANK2):c.2377-7_2377-4del

Gene: ANK2 (ankyrin 2; plus strand). Cytogenetic location: 4q26.
Variant type: Deletion.
Coding change: c.2377-7_2377-4del on transcript NM_001148.6 (MANE Select); 7 bases into the intron before coding-DNA position 2377 through 4 bases into the intron before coding-DNA position 2377, 4 bases deleted (TCTT; older notation c.2377-7_2377-4delTCTT).
Molecular consequence: intron variant.
Genome position (GRCh38, 1-based): chr4:113,293,433-113,293,436, TCTT deleted. VCF-style (leftmost placement, unchanged base first): chr4-113293432-CTCTT-C. GRCh37 (hg19) VCF-style: chr4-114214588-CTCTT-C.
Other names: c.2365-7_2365-4del (NM_001386186.2, NM_001386148.2); c.2167-7_2167-4del (NM_001354269.3); c.2341-7_2341-4del (NM_001386187.2); c.2335-7_2335-4del (NM_001386147.1, NM_001386160.1, NM_001354261.2); c.2314-7_2314-4del (NM_001354254.2, NM_001354239.2, NM_001354252.2 and 10 more transcripts); c.2215-7_2215-4del (NM_001354253.2, NM_001354270.2, NM_001354257.2 and 1 more transcripts); c.2290-7_2290-4del (NM_001354249.2, NM_001354266.2, NM_001354276.2 and 10 more transcripts); c.2191-7_2191-4del (NM_001386151.1, NM_001354260.2, NM_001354271.2); and 9 more.
Identifiers: ClinVar variation 1790370 (VCV001790370.4), dbSNP rs755751855, ClinGen allele CA3050560.

ClinVar aggregate classification (germline): Conflicting classifications of pathogenicity. Review status: criteria provided, conflicting classifications (1 of 4 stars). 2 submissions from 2 submitters: Uncertain significance (1); Likely benign (1). Last evaluated 2024-08-31.

Conditions:
Cardiovascular phenotype. Identifiers: MedGen CN230736.
Long QT syndrome (LQTS). Identifiers: MedGen C0023976, MeSH D008133, MONDO:0002442. Disease mechanism: loss of function. Inheritance: Various modes of inheritance.

Allele frequency attached by ClinVar (database versions not stated): gnomAD exomes 0.00001; TOPMed 0.00001; gnomAD 0.00002; ExAC 0.00003.

Submissions (2):

Labcorp Genetics (formerly Invitae), Labcorp
Classification: Likely benign for Long QT syndrome. Last evaluated: 2024-08-31. Review status: criteria provided, single submitter. Criteria: Invitae Variant Classification Sherloc (09022015). Collection method: clinical testing. Allele origin: germline.

Ambry Genetics
Classification: Uncertain significance for Cardiovascular phenotype. Last evaluated: 2022-02-16. Review status: criteria provided, single submitter. Criteria: Ambry Variant Classification Scheme 2023. Collection method: clinical testing. Allele origin: germline.
Comment: The c.2377-7_2377-4delTCTT intronic variant is located 4 nucleotides upstream from coding exon 22 in the ANK2 gene. This variant results from a deletion of 4 nucleotides at positions c.2377-7 to c.2377-4. These nucleotide positions are not well conserved in available vertebrate species. In silico splice site analysis predicts that this alteration will not have any significant effect on splicing. According to data from gnomAD, the frequency for this variant is above the maximum credible frequency for a cardiac disease-causing variant in this gene based on internally established thresholds (Karczewski et al. Nature. 2020 May;581(7809):434-443; Whiffin et al. Genet Med. 2017 10;19:1151-1158). Based on the supporting evidence, the association of this alteration with ANK2-related neurodevelopmental disorder is unknown; however, the association with ANK2-related arrhythmia is unlikely.